The following is an entry in ClinVar:

ClinVar aggregate classification (germline): Conflicting classifications of pathogenicity. Review status: criteria provided, conflicting classifications (1 of 4 stars). 2 submissions from 2 submitters: Pathogenic (1); Uncertain significance (1). Last evaluated 2026-01-16.

Conditions:
Ectrodactyly, ectodermal dysplasia, and cleft lip-palate syndrome 3. Also called: Ectrodactyly, Ectodermal Dysplasia, Clefting Syndrome Type 3 (EEC3); Ectrodactyly, Ectodermal Dysplasia, Cleft Lip/Palate Syndrome 3 (EEC3); Ectrodactyly, Ectodermal Dysplasia, Clefting Syndrome; EEC SYNDROME 3. Identifiers: Orphanet 1896, MedGen C1858562, MONDO:0011428, OMIM 604292.

Submissions (2):

Dasa
Classification: Uncertain significance for Ectrodactyly, ectodermal dysplasia, and cleft lip-palate syndrome 3. Last evaluated: 2026-01-16. Review status: criteria provided, single submitter. Criteria: DASA Assertion Criteria. Collection method: clinical testing. Allele origin: germline.
Comment: NM_003722.5(TP63):c.731G>A (p.Cys244Tyr) is a missense variant that results in the substitution of cysteine with tyrosine. The affected residue or protein region has prior evidence supporting clinical relevance. This variant is rare in population databases. Computational prediction algorithms are consistent with a deleterious effect. The currently available literature and clinical evidence are not sufficient to establish a definitive association between this variant and the reported condition. Therefore, this variant is classified as a variant of uncertain significance.

GeneDx
Classification: Pathogenic. Last evaluated: 2025-01-12. Review status: criteria provided, single submitter. Criteria: GeneDx Variant Classification Process June 2021. Collection method: clinical testing. Allele origin: germline. Affected: yes.
Comment: Has not been previously published as pathogenic or benign to our knowledge; Not observed at significant frequency in large population cohorts (gnomAD); In silico analysis supports that this missense variant has a deleterious effect on protein structure/function; This variant is associated with the following publications: (PMID: 17224651, 21652629, 27940220, 12037717)

NM_003722.5(TP63):c.731G>A (p.Cys244Tyr)

Gene: TP63 (tumor protein p63; plus strand). Cytogenetic location: 3q28.
Variant type: single nucleotide variant.
Coding change: c.731G>A on transcript NM_003722.5 (MANE Select); coding-DNA position 731, G replaced by A.
Protein change: p.Cys244Tyr; replaces cysteine 244 with tyrosine.
Molecular consequence: missense variant.
Genome position (GRCh38, 1-based): chr3:189,864,383, G>A. VCF-style: chr3-189864383-G-A. GRCh37 (hg19) VCF-style: chr3-189582172-G-A.
Other names: c.731G>A, p.Cys244Tyr (NM_001114978.2, NM_001114979.2, NM_001329144.2 and 1 more transcripts); c.449G>A, p.Cys150Tyr (NM_001114980.2, NM_001114981.2, NM_001114982.2 and 2 more transcripts); c.194G>A, p.Cys65Tyr (NM_001329146.2, NM_001329150.2); c.725G>A, p.Cys242Tyr (NM_001329964.2); short protein forms C150Y, C242Y, C244Y, C65Y.
Identifiers: ClinVar variation 4056841 (VCV004056841.3).